The following is an entry in ClinVar:

ClinVar aggregate classification (germline): Uncertain significance. Review status: criteria provided, multiple submitters, no conflicts (2 of 4 stars). 2 submissions from 2 submitters: Uncertain significance (2). Last evaluated 2024-04-25.

Conditions:
Hypoparathyroidism, deafness, renal disease syndrome (HDRS). Also called: HYPOPARATHYROIDISM, SENSORINEURAL DEAFNESS, AND RENAL DYSPLASIA SYNDROME. Identifiers: Orphanet 2237, MedGen C1840333, MONDO:0007797, OMIM 146255.

Allele frequency attached by ClinVar (database versions not stated): gnomAD 0.00001.
gnomAD v4.1: 14 of 1,614,040 alleles (0.00087%); highest among the groups gnomAD compares: Non-Finnish European, 0.0012%; no homozygotes.

Submissions (2):

Fulgent Genetics
Classification: Uncertain significance for Hypoparathyroidism, deafness, renal disease syndrome. Last evaluated: 2024-04-25. Review status: criteria provided, single submitter. Criteria: ACMG Guidelines, 2015. Collection method: clinical testing. Allele origin: germline.

GeneDx
Classification: Uncertain significance. Last evaluated: 2022-12-28. Review status: criteria provided, single submitter. Criteria: GeneDx Variant Classification Process June 2021. Collection method: clinical testing. Allele origin: germline. Affected: yes.
Comment: Not observed at significant frequency in large population cohorts (gnomAD); In silico analysis supports that this missense variant does not alter protein structure/function; Has not been previously published as pathogenic or benign to our knowledge

NM_001002295.2(GATA3):c.1276C>T (p.Pro426Ser)

Gene: GATA3 (GATA binding protein 3; plus strand). Cytogenetic location: 10p14.
Variant type: single nucleotide variant.
Coding change: c.1276C>T on transcript NM_001002295.2 (MANE Select); coding-DNA position 1276, C replaced by T.
Protein change: p.Pro426Ser; replaces proline 426 with serine.
Molecular consequence: missense variant.
Genome position (GRCh38, 1-based): chr10:8,073,964, C>T. VCF-style: chr10-8073964-C-T. GRCh37 (hg19) VCF-style: chr10-8115927-C-T.
Other names: c.1273C>T, p.Pro425Ser (NM_002051.3); short protein forms P425S, P426S.
Identifiers: ClinVar variation 2507262 (VCV002507262.2), dbSNP rs1342844809, ClinGen allele CA375975918.